The following is an entry in ClinVar:

NM_001032283.3(TMPO):c.247G>A (p.Ala83Thr)

Genes: TMPO (thymopoietin; plus strand), TMPO-AS1 (TMPO antisense RNA 1; minus strand), LOC130008520 (ATAC-STARR-seq lymphoblastoid silent region 4752; plus strand). Cytogenetic location: 12q23.1.
Variant type: single nucleotide variant.
Coding change: c.247G>A on transcript NM_001032283.3 (MANE Select); coding-DNA position 247, G replaced by A.
Protein change: p.Ala83Thr; replaces alanine 83 with threonine.
Molecular consequence: missense variant. On other transcripts: non-coding transcript variant (1).
Genome position (GRCh38, 1-based): chr12:98,516,114, G>A. VCF-style: chr12-98516114-G-A. GRCh37 (hg19) VCF-style: chr12-98909892-G-A.
Other names: c.247G>A, p.Ala83Thr (NM_001032284.3, NM_001307975.2, NM_003276.2); short protein forms A83T.
Identifiers: ClinVar variation 3727198 (VCV003727198.2).

ClinVar aggregate classification (germline): Uncertain significance (1 of 4 stars; one submission).

Conditions:
Loeys-Dietz syndrome 2 (LDS2). Also called: Marfan syndrome, type 2 (formerly); Marfan Syndrome type 2; Marfan like connective tissue disorder; MFS 2; TGFBR2-Related Loeys-Dietz Syndrome; AORTIC ANEURYSM, FAMILIAL THORACIC 3. Identifiers: Orphanet 284973, Orphanet 558, MedGen C2674574, MONDO:0012427, OMIM 610168.

gnomAD v4.1: 1 of 1,521,216 alleles (0.000066%); highest among the groups gnomAD compares: South Asian, 0.0012%; no homozygotes.

Submission:

Labcorp Genetics (formerly Invitae), Labcorp
Classification: Uncertain significance for Loeys-Dietz syndrome 2. Last evaluated: 2024-09-21. Review status: criteria provided, single submitter. Criteria: Invitae Variant Classification Sherloc (09022015). Collection method: clinical testing. Allele origin: germline.
Comment: This sequence change replaces alanine, which is neutral and non-polar, with threonine, which is neutral and polar, at codon 83 of the TMPO protein (p.Ala83Thr). The frequency data for this variant in the population databases is considered unreliable, as metrics indicate poor data quality at this position in the gnomAD database. This variant has not been reported in the literature in individuals affected with TMPO-related conditions. An algorithm developed to predict the effect of missense changes on protein structure and function (PolyPhen-2) suggests that this variant is likely to be tolerated. In summary, the available evidence is currently insufficient to determine the role of this variant in disease. Therefore, it has been classified as a Variant of Uncertain Significance.